The following is an entry in ClinVar:

ClinVar aggregate classification (germline): Benign/Likely benign. Review status: criteria provided, multiple submitters, no conflicts (2 of 4 stars). 7 submissions from 7 submitters: Benign (2); Likely benign (2). 3 of the submissions do not count toward it. Last evaluated 2026-02-01.

Conditions:
SON-related disorder. Also called: SON-related condition.

Allele frequency attached by ClinVar (database versions not stated): 1000 Genomes Project 30x 0.00078; 1000 Genomes Project 0.00080; TOPMed 0.00102; gnomAD 0.00135 and 0.00141; ESP Exome Variant Server 0.00154; gnomAD exomes 0.00189 and 0.00201; ExAC 0.00237.

Submissions (7):

CeGaT Center for Human Genetics Tuebingen
Classification: Likely benign. Last evaluated: 2026-02-01. Review status: criteria provided, single submitter. Criteria: CeGaT Center For Human Genetics Tuebingen Variant Classification Criteria Version 2. Collection method: clinical testing. Allele origin: germline. Affected: yes. Observed: 8 variant alleles.
Comment: SON: BS1

Labcorp Genetics (formerly Invitae), Labcorp
Classification: Benign. Last evaluated: 2025-12-17. Review status: criteria provided, single submitter. Criteria: Invitae Variant Classification Sherloc (09022015). Collection method: clinical testing. Allele origin: germline.

Blueprint Genetics
Classification: Likely benign. Last evaluated: 2024-11-11. Review status: criteria provided, single submitter. Criteria: ACMG Guidelines, 2015. Collection method: clinical testing. Allele origin: germline.

Breakthrough Genomics
Classification: Benign. Review status: criteria provided, single submitter. Criteria: ACMG Guidelines, 2015. Collection method: not provided. Allele origin: germline. Inheritance: Autosomal dominant inheritance. Affected: yes.

PreventionGenetics, part of Exact Sciences
Classification: Benign for SON-related condition. Last evaluated: 2019-05-10. Review status: no assertion criteria provided. Collection method: clinical testing. Allele origin: germline. Not counted in ClinVar's aggregate classification.
Comment: This variant is classified as benign based on ACMG/AMP sequence variant interpretation guidelines (Richards et al. 2015 PMID: 25741868, with internal and published modifications).

Diagnostic Laboratory, Department of Genetics, University Medical Center Groningen
Classification: Likely benign. Review status: no assertion criteria provided. Collection method: clinical testing. Allele origin: germline. Affected: yes. Study: VKGL Data-share Consensus. Not counted in ClinVar's aggregate classification.

Genome Diagnostics Laboratory, University Medical Center Utrecht
Classification: Likely benign. Review status: no assertion criteria provided. Collection method: clinical testing. Allele origin: germline. Affected: yes. Study: VKGL Data-share Consensus. Not counted in ClinVar's aggregate classification.

NM_138927.4(SON):c.1664C>T (p.Thr555Met)

Gene: SON (SON DNA and RNA binding protein; plus strand). Cytogenetic location: 21q22.11.
Variant type: single nucleotide variant.
Coding change: c.1664C>T on transcript NM_138927.4 (MANE Select); coding-DNA position 1664, C replaced by T.
Protein change: p.Thr555Met; replaces threonine 555 with methionine.
Molecular consequence: missense variant. On other transcripts: non-coding transcript variant (1), intron variant (1).
Genome position (GRCh38, 1-based): chr21:33,550,895, C>T. VCF-style: chr21-33550895-C-T. GRCh37 (hg19) VCF-style: chr21-34923201-C-T.
Other names: c.1664C>T (NM_138927.2); c.1664C>T, p.Thr555Met (NM_001291411.2, NM_032195.3); c.244+4516C>T (NM_001291412.3); short protein forms T555M.
Identifiers: ClinVar variation 790381 (VCV000790381.37), dbSNP rs13049658, ClinGen allele CA10008948.